The following is an entry in ClinVar:

ClinVar aggregate classification (germline): Uncertain significance (1 of 4 stars; one submission).

gnomAD v4.1: 1 of 1,610,408 alleles (0.000062%); no homozygotes.

Submission:

Labcorp Genetics (formerly Invitae), Labcorp
Classification: Uncertain significance. Last evaluated: 2025-04-14. Review status: criteria provided, single submitter. Criteria: Invitae Variant Classification Sherloc (09022015). Collection method: clinical testing. Allele origin: germline.
Comment: This sequence change replaces isoleucine, which is neutral and non-polar, with asparagine, which is neutral and polar, at codon 916 of the MYH9 protein (p.Ile916Asn). This variant is not present in population databases (gnomAD no frequency). This variant has not been reported in the literature in individuals affected with MYH9-related conditions. Invitae Evidence Modeling of protein sequence and biophysical properties (such as structural, functional, and spatial information, amino acid conservation, physicochemical variation, residue mobility, and thermodynamic stability) indicates that this missense variant is not expected to disrupt MYH9 protein function with a negative predictive value of 95%. In summary, the available evidence is currently insufficient to determine the role of this variant in disease. Therefore, it has been classified as a Variant of Uncertain Significance.

NM_002473.6(MYH9):c.2747T>A (p.Ile916Asn)

Genes: MYH9 (myosin heavy chain 9; minus strand), LOC126863137 (CDK7 strongly-dependent group 2 enhancer GRCh37_chr22:36696002-36697201; plus strand). Cytogenetic location: 22q12.3.
Variant type: single nucleotide variant.
Coding change: c.2747T>A on transcript NM_002473.6 (MANE Select); coding-DNA position 2747, T replaced by A.
Protein change: p.Ile916Asn; replaces isoleucine 916 with asparagine.
Molecular consequence: missense variant.
Genome position (GRCh38, 1-based): chr22:36,300,942, A>T on the plus strand (T>A on the coding strand, the complement: MYH9 is on the minus strand). VCF-style: chr22-36300942-A-T. GRCh37 (hg19) VCF-style: chr22-36696988-A-T.
Other names: short protein forms I916N.
Identifiers: ClinVar variation 4746170 (VCV004746170.1).